The following is an entry in ClinVar:

ClinVar aggregate classification (germline): Pathogenic (1 of 4 stars; one submission).

Conditions:
KMT2D-related disorder. Also called: KMT2D-Related Disorders.

Submission:

PreventionGenetics, part of Exact Sciences
Classification: Pathogenic for KMT2D-related condition. Last evaluated: 2023-09-12. Review status: criteria provided, single submitter. Criteria: ACMG Guidelines, 2015. Collection method: clinical testing. Allele origin: germline.
Comment: The KMT2D c.9322G>T variant is predicted to result in premature protein termination (p.Glu3108*). To our knowledge, this variant has not been reported in the literature or in a large population database, indicating this variant is rare. Nonsense variants in KMT2D are expected to be pathogenic. Therefore, we interpret c.9322G>T (p.Glu3108*) as pathogenic.

NM_003482.4(KMT2D):c.9322G>T (p.Glu3108Ter)

Gene: KMT2D (lysine methyltransferase 2D; minus strand). Cytogenetic location: 12q13.12.
Variant type: single nucleotide variant.
Coding change: c.9322G>T on transcript NM_003482.4 (MANE Select); coding-DNA position 9322, G replaced by T.
Protein change: p.Glu3108Ter; replaces glutamic acid 3108 with a stop codon.
Molecular consequence: nonsense.
Genome position (GRCh38, 1-based): chr12:49,038,034, C>A on the plus strand (G>T on the coding strand, the complement: KMT2D is on the minus strand). VCF-style: chr12-49038034-C-A. GRCh37 (hg19) VCF-style: chr12-49431817-C-A.
Other names: short protein forms E3108*.
Identifiers: ClinVar variation 2630986 (VCV002630986.1), dbSNP rs2120489486, ClinGen allele CA384738762.